The following is an entry in ClinVar:

NM_015057.5(MYCBP2):c.2940-9_2940-8del

Gene: MYCBP2 (MYC binding protein 2; minus strand). Cytogenetic location: 13q22.3.
Variant type: Deletion.
Coding change: c.2940-9_2940-8del on transcript NM_015057.5 (MANE Select); 9 bases into the intron before coding-DNA position 2940 through 8 bases into the intron before coding-DNA position 2940, 2 bases deleted (TT; older notation c.2940-9_2940-8delTT).
Molecular consequence: intron variant.
Genome position (GRCh38, 1-based): chr13:77,217,965-77,217,966, AA deleted on the plus strand (TT on the coding strand, the reverse complement: MYCBP2 is on the minus strand); deleting any 2 consecutive bases within chr13:77,217,965-77,217,977 gives the same sequence; the c. name uses the placement nearest the transcript's 3' end. VCF-style (leftmost placement, unchanged base first): chr13-77217964-TAA-T. GRCh37 (hg19) VCF-style: chr13-77792099-TAA-T.
Identifiers: ClinVar variation 3057146 (VCV003057146.2), dbSNP rs374242789, ClinGen allele CA7010077.
Genomic context (GRCh38, chr13:77,217,964, plus strand): 5'-GCAGTGACTTGTGTGCTAGGGCCTGGCAATGCTTGAACAAGAGTGGGACATCCCCTAGGT[TAA>T]AAAAAAAAAAAGTAAGTCAATTTCTTACAAAACTCAACTAAAATAAAAACAATAAGTAAG-3'

ClinVar aggregate classification (germline): Benign (0 of 4 stars; one submission).

Conditions:
MYCBP2-related disorder. Also called: MYCBP2-related condition.

Submission:

PreventionGenetics, part of Exact Sciences
Classification: Benign for MYCBP2-related condition. Last evaluated: 2019-02-20. Review status: no assertion criteria provided. Collection method: clinical testing. Allele origin: germline.
Comment: This variant is classified as benign based on ACMG/AMP sequence variant interpretation guidelines (Richards et al. 2015 PMID: 25741868, with internal and published modifications).